The following is an entry in ClinVar:

NM_005378.6(MYCN):c.641C>T (p.Ala214Val)

Gene: MYCN (MYCN proto-oncogene, bHLH transcription factor; plus strand). Cytogenetic location: 2p24.3.
Variant type: single nucleotide variant.
Coding change: c.641C>T on transcript NM_005378.6 (MANE Select); coding-DNA position 641, C replaced by T.
Protein change: p.Ala214Val; replaces alanine 214 with valine.
Molecular consequence: missense variant. On other transcripts: 3 prime UTR variant (1), intron variant (1).
Genome position (GRCh38, 1-based): chr2:15,942,705, C>T. VCF-style: chr2-15942705-C-T. GRCh37 (hg19) VCF-style: chr2-16082827-C-T.
Other names: c.641C>T, p.Ala214Val (NM_001293228.2); c.*576C>T (NM_001293233.2); c.157+1962C>T (NM_001293231.2); short protein forms A214V.
Identifiers: ClinVar variation 3613196 (VCV003613196.2).
Genomic context (GRCh38, chr2:15,942,705, plus strand): 5'-CCTTTCCCGTGAACAAGCGCGAGCCAGCGCCCGTGCCCGCAGCCCCGGCCAGTGCCCCGG[C>T]GGCGGGCCCTGCGGTCGCCTCGGGGGCGGGTATTGCCGCCCCAGCCGGGGCCCCGGGGGT-3'
Protein context (NP_005369.2, residues 204-224): PVPAAPASAP[Ala214Val]AGPAVASGAG

ClinVar aggregate classification (germline): Uncertain significance (1 of 4 stars; one submission).

Submission:

Labcorp Genetics (formerly Invitae), Labcorp
Classification: Uncertain significance. Last evaluated: 2024-11-30. Review status: criteria provided, single submitter. Criteria: Invitae Variant Classification Sherloc (09022015). Collection method: clinical testing. Allele origin: germline.
Comment: This sequence change replaces alanine, which is neutral and non-polar, with valine, which is neutral and non-polar, at codon 214 of the MYCN protein (p.Ala214Val). This variant is not present in population databases (gnomAD no frequency). This variant has not been reported in the literature in individuals affected with MYCN-related conditions. Invitae Evidence Modeling of protein sequence and biophysical properties (such as structural, functional, and spatial information, amino acid conservation, physicochemical variation, residue mobility, and thermodynamic stability) indicates that this missense variant is not expected to disrupt MYCN protein function with a negative predictive value of 95%. In summary, the available evidence is currently insufficient to determine the role of this variant in disease. Therefore, it has been classified as a Variant of Uncertain Significance.